The following is an entry in ClinVar:

NM_003482.4(KMT2D):c.1620_1781del (p.Pro544_Ser597del)

Gene: KMT2D (lysine methyltransferase 2D; minus strand). Cytogenetic location: 12q13.12.
Variant type: Deletion.
Coding change: c.1620_1781del on transcript NM_003482.4 (MANE Select); coding-DNA positions 1620 to 1781, 162 bases deleted.
Protein change: p.Pro544_Ser597del.
Molecular consequence: inframe deletion. On other transcripts: inframe indel (1).
Genome position (GRCh38, 1-based): chr12:49,051,902-49,052,063, 162 bases deleted. GRCh37 (hg19): chr12:49,445,693-49,445,854.
Other names: c.1612_1773del162, p.Pro544_Ser597del (NM_003482.3).
Identifiers: ClinVar variation 2136278 (VCV002136278.1), dbSNP rs2498457784, ClinGen allele CA2580086369.

ClinVar aggregate classification (germline): Uncertain significance (1 of 4 stars; one submission).

Submission:

GeneDx
Classification: Uncertain significance. Last evaluated: 2022-07-13. Review status: criteria provided, single submitter. Criteria: GeneDx Variant Classification Process June 2021. Collection method: clinical testing. Allele origin: germline. Affected: yes.
Comment: Not observed at significant frequency in large population cohorts (gnomAD); In-frame deletion of 54 amino acids in a non-repeat region; In silico analysis supports a deleterious effect on protein structure/function; Has not been previously published as pathogenic or benign to our knowledge